The following is an entry in ClinVar:

NM_000179.3(MSH6):c.687G>A (p.Glu229=)

Gene: MSH6 (mutS homolog 6; plus strand). Cytogenetic location: 2p16.3.
Variant type: single nucleotide variant.
Coding change: c.687G>A on transcript NM_000179.3 (MANE Select); coding-DNA position 687, G replaced by A.
Protein change: p.Glu229=; no amino-acid change (glutamic acid 229 retained).
Molecular consequence: synonymous variant. On other transcripts: 5 prime UTR variant (2).
Genome position (GRCh38, 1-based): chr2:47,798,670, G>A. VCF-style: chr2-47798670-G-A. GRCh37 (hg19) VCF-style: chr2-48025809-G-A.
Other names: c.297G>A, p.Glu99= (NM_001281492.2); c.-220G>A (NM_001281493.2, NM_001281494.2).
Identifiers: ClinVar variation 513394 (VCV000513394.9), dbSNP rs758120391, ClinGen allele CA073346.

ClinVar aggregate classification (germline): Benign/Likely benign. Review status: criteria provided, multiple submitters, no conflicts (2 of 4 stars). 4 submissions from 4 submitters: Benign (1); Likely benign (3). Last evaluated 2025-09-24.

Conditions:
Lynch syndrome 5 (LYNCH5). Also called: Colorectal cancer, hereditary nonpolyposis, type 5; Hereditary non-polyposis colorectal cancer, type 5. Identifiers: Orphanet 144, MedGen C1833477, MONDO:0013710, OMIM 614350. Disease mechanism: loss of function.
Hereditary nonpolyposis colorectal neoplasms. Identifiers: MedGen C0009405, MeSH D003123.
Hereditary cancer-predisposing syndrome. Also called: Hereditary Cancer Syndrome; Neoplastic Syndromes, Hereditary; Tumor predisposition; Hereditary neoplastic syndrome. Identifiers: Orphanet 140162, MedGen C0027672, MeSH D009386, MONDO:0015356.

Allele frequency attached by ClinVar (database versions not stated): gnomAD exomes below 0.00001; ExAC 0.00001.

Submissions (4):

Labcorp Genetics (formerly Invitae), Labcorp
Classification: Likely benign for Hereditary nonpolyposis colorectal neoplasms. Last evaluated: 2025-09-24. Review status: criteria provided, single submitter. Criteria: Invitae Variant Classification Sherloc (09022015). Collection method: clinical testing. Allele origin: germline.

Myriad Genetics, Inc.
Classification: Benign for Lynch syndrome 5. Last evaluated: 2024-12-19. Review status: criteria provided, single submitter. Criteria: Myriad Autosomal Dominant, Autosomal Recessive and X-Linked Classification Criteria (2023). Collection method: clinical testing. Allele origin: unknown.
Comment: This variant is considered benign. This variant is a silent/synonymous amino acid change and it is not expected to impact splicing.

Ambry Genetics
Classification: Likely benign for Hereditary cancer-predisposing syndrome. Last evaluated: 2020-11-03. Review status: criteria provided, single submitter. Criteria: Ambry Variant Classification Scheme 2023. Collection method: clinical testing. Allele origin: germline.

GeneDx
Classification: Likely benign. Last evaluated: 2017-11-10. Review status: criteria provided, single submitter. Criteria: GeneDx Variant Classification (06012015). Collection method: clinical testing. Allele origin: germline. Affected: yes.
Comment: This variant is considered likely benign or benign based on one or more of the following criteria: it is a conservative change, it occurs at a poorly conserved position in the protein, it is predicted to be benign by multiple in silico algorithms, and/or has population frequency not consistent with disease.